The following is an entry in ClinVar:

ClinVar aggregate classification (germline): Uncertain significance (1 of 4 stars; one submission).

Submission:

Mayo Clinic Laboratories, Mayo Clinic
Classification: Uncertain significance. Last evaluated: 2023-11-07. Review status: criteria provided, single submitter. Criteria: ACMG Guidelines, 2015. Collection method: clinical testing. Allele origin: germline. Observed: 1 variant allele.
Comment: BP4, PM2

NM_000186.4(CFH):c.2720T>A (p.Ile907Lys)

Gene: CFH (complement factor H; plus strand). Cytogenetic location: 1q31.3.
Variant type: single nucleotide variant.
Coding change: c.2720T>A on transcript NM_000186.4 (MANE Select); coding-DNA position 2720, T replaced by A.
Protein change: p.Ile907Lys; replaces isoleucine 907 with lysine.
Molecular consequence: missense variant.
Genome position (GRCh38, 1-based): chr1:196,737,598, T>A. VCF-style: chr1-196737598-T-A. GRCh37 (hg19) VCF-style: chr1-196706728-T-A.
Other names: p.Ile907Lys; short protein forms I907K.
Identifiers: ClinVar variation 3380289 (VCV003380289.1).